The following is an entry in ClinVar:

ClinVar aggregate classification (germline): Uncertain significance. Review status: criteria provided, multiple submitters, no conflicts (2 of 4 stars). 2 submissions from 2 submitters: Uncertain significance (2). Last evaluated 2025-09-10.

Conditions:
Inborn genetic diseases. Identifiers: MedGen C0950123, MeSH D030342.
Bardet-Biedl syndrome (BBS). Identifiers: Orphanet 110, MedGen C0752166, MONDO:0015229.

Allele frequency attached by ClinVar (database versions not stated): gnomAD exomes below 0.00001 and 0.00001; TOPMed 0.00002.
gnomAD v4.1: 10 of 1,614,162 alleles (0.00062%); highest among the groups gnomAD compares: Middle Eastern, 0.033%; no homozygotes.

Submissions (2):

Ambry Genetics
Classification: Uncertain significance for Inborn genetic diseases. Last evaluated: 2025-09-10. Review status: criteria provided, single submitter. Criteria: Ambry Variant Classification Scheme 2023. Collection method: clinical testing. Allele origin: germline.

Labcorp Genetics (formerly Invitae), Labcorp
Classification: Uncertain significance for Bardet-Biedl syndrome. Last evaluated: 2024-10-21. Review status: criteria provided, single submitter. Criteria: Invitae Variant Classification Sherloc (09022015). Collection method: clinical testing. Allele origin: germline.
Comment: This sequence change replaces arginine, which is basic and polar, with histidine, which is basic and polar, at codon 146 of the TRIM32 protein (p.Arg146His). The frequency data for this variant in the population databases is considered unreliable, as metrics indicate poor data quality at this position in the gnomAD database. This variant has not been reported in the literature in individuals affected with TRIM32-related conditions. ClinVar contains an entry for this variant (Variation ID: 1007649). An algorithm developed to predict the effect of missense changes on protein structure and function (PolyPhen-2) suggests that this variant is likely to be disruptive. In summary, the available evidence is currently insufficient to determine the role of this variant in disease. Therefore, it has been classified as a Variant of Uncertain Significance.

NM_012210.4(TRIM32):c.437G>A (p.Arg146His)

Genes: ASTN2 (astrotactin 2; minus strand), TRIM32 (tripartite motif containing 32; plus strand). Cytogenetic location: 9q33.1.
Variant type: single nucleotide variant.
Coding change: c.437G>A on transcript NM_012210.4 (MANE Select); coding-DNA position 437, G replaced by A.
Protein change: p.Arg146His; replaces arginine 146 with histidine.
Molecular consequence: missense variant. On other transcripts: intron variant (3).
Genome position (GRCh38, 1-based): chr9:116,698,179, G>A. VCF-style: chr9-116698179-G-A. GRCh37 (hg19) VCF-style: chr9-119460458-G-A.
Other names: c.437G>A, p.Arg146His (NM_001099679.2, NM_001379048.1, NM_001379049.1 and 1 more transcripts); c.2653+27592C>T (NM_014010.5); c.2794+27592C>T (NM_001365069.1); c.2806+27592C>T (NM_001365068.1); short protein forms R146H.
Identifiers: ClinVar variation 1007649 (VCV001007649.8), dbSNP rs1473368288, ClinGen allele CA374648514.